The following is an entry in ClinVar:

ClinVar aggregate classification (germline): Likely benign. Review status: criteria provided, multiple submitters, no conflicts (2 of 4 stars). 3 submissions from 3 submitters: Likely benign (3). Last evaluated 2026-01-09.

Conditions:
Catecholaminergic polymorphic ventricular tachycardia 1. Also called: VENTRICULAR TACHYCARDIA, STRESS-INDUCED POLYMORPHIC 1; VENTRICULAR TACHYCARDIA, CATECHOLAMINERGIC POLYMORPHIC, 1, WITH OR WITHOUT ATRIAL DYSFUNCTION AND/OR DILATED CARDIOMYOPATHY; RYR2-Related Catecholaminergic Polymorphic Ventricular Tachycardia. Identifiers: Orphanet 3286, MedGen C1631597, MONDO:0011484, OMIM 604772.

Allele frequency attached by ClinVar (database versions not stated): TOPMed below 0.00001; gnomAD 0.00001; gnomAD exomes 0.00001; ExAC 0.00002.
gnomAD v4.1: 17 of 1,451,896 alleles (0.0012%); highest among the groups gnomAD compares: Non-Finnish European, 0.0016%; no homozygotes.

Submissions (3):

Labcorp Genetics (formerly Invitae), Labcorp
Classification: Likely benign for Catecholaminergic polymorphic ventricular tachycardia 1. Last evaluated: 2026-01-09. Review status: criteria provided, single submitter. Criteria: Invitae Variant Classification Sherloc (09022015). Collection method: clinical testing. Allele origin: germline.

Women's Health and Genetics/Laboratory Corporation of America, LabCorp
Classification: Likely benign. Last evaluated: 2025-01-09. Review status: criteria provided, single submitter. Criteria: LabCorp Variant Classification Summary - May 2015. Collection method: clinical testing. Allele origin: germline.
Comment: Variant summary: RYR2 c.1170+10T>C alters a non-conserved nucleotide located at a position not widely known to affect splicing. Consensus agreement among computation tools predict no significant impact on normal splicing. However, these predictions have yet to be confirmed by functional studies. The variant allele was found at a frequency of 1.1e-05 in 182288 control chromosomes. The available data on variant occurrences in the general population are insufficient to allow any conclusion about variant significance. To our knowledge, no occurrence of c.1170+10T>C in individuals affected with Arrhythmia and no experimental evidence demonstrating its impact on protein function have been reported. ClinVar contains an entry for this variant (Variation ID: 929112). Based on the evidence outlined above, the variant was classified as likely benign.

Blueprint Genetics
Classification: Likely benign. Last evaluated: 2023-12-29. Review status: criteria provided, single submitter. Criteria: ACMG Guidelines, 2015. Collection method: clinical testing. Allele origin: germline.

NM_001035.3(RYR2):c.1170+10T>C

Gene: RYR2 (ryanodine receptor 2; plus strand). Cytogenetic location: 1q43.
Variant type: single nucleotide variant.
Coding change: c.1170+10T>C on transcript NM_001035.3 (MANE Select); 10 bases into the intron after coding-DNA position 1170, T replaced by C.
Molecular consequence: intron variant.
Genome position (GRCh38, 1-based): chr1:237,441,493, T>C. VCF-style: chr1-237441493-T-C. GRCh37 (hg19) VCF-style: chr1-237604793-T-C.
Identifiers: ClinVar variation 929112 (VCV000929112.14), dbSNP rs760377600, ClinGen allele CA085027.